The following is an entry in ClinVar:

NM_003320.5(TUB):c.110A>G (p.Gln37Arg)

Gene: TUB (TUB bipartite transcription factor; plus strand). Cytogenetic location: 11p15.4.
Variant type: single nucleotide variant.
Coding change: c.110A>G on transcript NM_003320.5; coding-DNA position 110, A replaced by G.
Protein change: p.Gln37Arg; replaces glutamine 37 with arginine.
Molecular consequence: missense variant. On other transcripts: intron variant (4).
Genome position (GRCh38, 1-based): chr11:8,038,983, A>G. VCF-style: chr11-8038983-A-G. GRCh37 (hg19) VCF-style: chr11-8060530-A-G.
Other names: c.56+19625A>G (NM_001440538.1, NM_001440539.1, NM_001440540.1 and 1 more transcripts); short protein forms Q37R.
Identifiers: ClinVar variation 860170 (VCV000860170.12), dbSNP rs760931243, ClinGen allele CA5870812.

ClinVar aggregate classification (germline): Uncertain significance. Review status: criteria provided, multiple submitters, no conflicts (2 of 4 stars). 3 submissions from 3 submitters: Uncertain significance (3). Last evaluated 2026-07-06.

Conditions:
TUB-related disorder. Also called: TUB-related condition.

Allele frequency attached by ClinVar (database versions not stated): gnomAD exomes 0.00003 and 0.00001; ExAC 0.00002; gnomAD 0.00002; TOPMed 0.00001.

Submissions (3):

PreventionGenetics, part of Exact Sciences
Classification: Uncertain significance for TUB-related condition. Last evaluated: 2026-07-06. Review status: criteria provided, single submitter. Criteria: ACMG Guidelines, 2015. Collection method: clinical testing. Allele origin: germline.
Comment: The TUB c.110A>G variant is predicted to result in the amino acid substitution p.Gln37Arg. To our knowledge, this variant has not been reported in the literature. This variant is reported in 0.0031% of alleles in individuals of European (Non-Finnish) descent in gnomAD. At this time, the clinical significance of this variant is uncertain due to the absence of conclusive functional and genetic evidence.

Labcorp Genetics (formerly Invitae), Labcorp
Classification: Uncertain significance. Last evaluated: 2024-11-05. Review status: criteria provided, single submitter. Criteria: Invitae Variant Classification Sherloc (09022015). Collection method: clinical testing. Allele origin: germline.
Comment: This sequence change replaces glutamine, which is neutral and polar, with arginine, which is basic and polar, at codon 37 of the TUB protein (p.Gln37Arg). This variant is present in population databases (rs760931243, gnomAD 0.004%). This variant has not been reported in the literature in individuals affected with TUB-related conditions. ClinVar contains an entry for this variant (Variation ID: 860170). An algorithm developed to predict the effect of missense changes on protein structure and function outputs the following: PolyPhen-2: "Possibly Damaging". The arginine amino acid residue is found in multiple mammalian species, which suggests that this missense change does not adversely affect protein function. In summary, the available evidence is currently insufficient to determine the role of this variant in disease. Therefore, it has been classified as a Variant of Uncertain Significance.

Breakthrough Genomics
Classification: Uncertain significance. Review status: criteria provided, single submitter. Criteria: ACMG Guidelines, 2015. Collection method: not provided. Allele origin: germline. Inheritance: Autosomal recessive inheritance. Affected: yes.